The following is an entry in ClinVar:

NM_015631.6(TCTN3):c.323A>G (p.Asp108Gly)

Gene: TCTN3 (tectonic family member 3; minus strand). Cytogenetic location: 10q24.1.
Variant type: single nucleotide variant.
Coding change: c.323A>G on transcript NM_015631.6 (MANE Select); coding-DNA position 323, A replaced by G.
Protein change: p.Asp108Gly; replaces aspartic acid 108 with glycine.
Molecular consequence: missense variant.
Genome position (GRCh38, 1-based): chr10:95,693,410, T>C on the plus strand (A>G on the coding strand, the complement: TCTN3 is on the minus strand). VCF-style: chr10-95693410-T-C. GRCh37 (hg19) VCF-style: chr10-97453167-T-C.
Other names: c.377A>G, p.Asp126Gly (NM_001013840.1); c.323A>G, p.Asp108Gly (NM_001143973.2, NM_001410982.1); short protein forms D108G, D126G.
Identifiers: ClinVar variation 2045177 (VCV002045177.3), dbSNP rs1327911768, ClinGen allele CA377712680.

ClinVar aggregate classification (germline): Uncertain significance (1 of 4 stars; one submission).

Conditions:
Joubert syndrome 18 (JBTS18). Identifiers: Orphanet 2754, MedGen C3553758, MONDO:0013896, OMIM 614815.
Orofacial-digital syndrome IV (OFD4). Also called: BARAITSER-BURN SYNDROME; OFD SYNDROME WITH TIBIAL DEFECTS; OFD SYNDROME, BARAITSER-BURN TYPE; OFDS IV; ORAL-FACIAL-DIGITAL SYNDROME, TYPE IV; Orofaciodigital syndrome IV. Identifiers: Orphanet 2753, MedGen C0406727, MONDO:0009794, OMIM 258860.

Allele frequency attached by ClinVar (database versions not stated): gnomAD exomes 0.00001.
gnomAD v4.1: 3 of 1,551,972 alleles (0.00019%); highest among the groups gnomAD compares: Admixed American, 0.0059%; no homozygotes.

Submission:

Labcorp Genetics (formerly Invitae), Labcorp
Classification: Uncertain significance for Joubert syndrome 18; Orofacial-digital syndrome IV. Last evaluated: 2022-05-27. Review status: criteria provided, single submitter. Criteria: Invitae Variant Classification Sherloc (09022015). Collection method: clinical testing. Allele origin: germline.
Comment: This variant has not been reported in the literature in individuals affected with TCTN3-related conditions. This variant is present in population databases (no rsID available, gnomAD 0.004%). This sequence change replaces aspartic acid, which is acidic and polar, with glycine, which is neutral and non-polar, at codon 108 of the TCTN3 protein (p.Asp108Gly). Algorithms developed to predict the effect of missense changes on protein structure and function are either unavailable or do not agree on the potential impact of this missense change (SIFT: "Deleterious"; PolyPhen-2: "Probably Damaging"; Align-GVGD: "Class C0"). In summary, the available evidence is currently insufficient to determine the role of this variant in disease. Therefore, it has been classified as a Variant of Uncertain Significance.